The following is an entry in ClinVar:

NM_003468.4(FZD5):c.159C>A (p.Asn53Lys)

Gene: FZD5 (frizzled class receptor 5; minus strand). Cytogenetic location: 2q33.3.
Variant type: single nucleotide variant.
Coding change: c.159C>A on transcript NM_003468.4 (MANE Select); coding-DNA position 159, C replaced by A.
Protein change: p.Asn53Lys; replaces asparagine 53 with lysine.
Molecular consequence: missense variant.
Genome position (GRCh38, 1-based): chr2:207,768,581, G>T on the plus strand (C>A on the coding strand, the complement: FZD5 is on the minus strand). VCF-style: chr2-207768581-G-T. GRCh37 (hg19) VCF-style: chr2-208633305-G-T.
Other names: short protein forms N53K.
Identifiers: ClinVar variation 3373425 (VCV003373425.1).

ClinVar aggregate classification (germline): Uncertain significance (1 of 4 stars; one submission).

Submission:

GeneDx
Classification: Uncertain significance. Last evaluated: 2024-03-04. Review status: criteria provided, single submitter. Criteria: GeneDx Variant Classification Process June 2021. Collection method: clinical testing. Allele origin: germline. Affected: yes.
Comment: Not observed at significant frequency in large population cohorts (gnomAD); In silico analysis supports that this missense variant has a deleterious effect on protein structure/function; Has not been previously published as pathogenic or benign to our knowledge